The following is an entry in ClinVar:

NM_000059.4(BRCA2):c.9110A>G (p.Gln3037Arg)

Gene: BRCA2 (BRCA2 DNA repair associated; plus strand). Cytogenetic location: 13q13.1.
Variant type: single nucleotide variant.
Coding change: c.9110A>G on transcript NM_000059.4 (MANE Select); coding-DNA position 9110, A replaced by G.
Protein change: p.Gln3037Arg; replaces glutamine 3037 with arginine.
Molecular consequence: missense variant. On other transcripts: non-coding transcript variant (1).
Genome position (GRCh38, 1-based): chr13:32,379,906, A>G. VCF-style: chr13-32379906-A-G. GRCh37 (hg19) VCF-style: chr13-32954043-A-G.
Other names: c.9014A>G, p.Gln3005Arg (NM_001406719.1); c.9059A>G, p.Gln3020Arg (NM_001406720.1); c.4178A>G, p.Gln1393Arg (NM_001406721.1); c.2693A>G, p.Gln898Arg (NM_001406722.1); short protein forms Q3005R, Q898R, Q1393R, Q3020R, Q3037R.
Identifiers: ClinVar variation 2774962 (VCV002774962.3), dbSNP rs2137623786, ClinGen allele CA387757732.
Genomic context (GRCh38, chr13:32,379,906, plus strand): 5'-AAAGTAAATCTGAAAGAGCTAACATACAGTTAGCAGCGACAAAAAAAACTCAGTATCAAC[A>G]ACTACCGGTACAAACCTTTCATTGTAATTTTTCAGTTTTGATAAGTGCTTGTTAGTTTAT-3'
Protein context (NP_000050.3, residues 3027-3047): LAATKKTQYQ[Gln3037Arg]LPVSDEILFQ

ClinVar aggregate classification (germline): Uncertain significance. Review status: criteria provided, multiple submitters, no conflicts (2 of 4 stars). 2 submissions from 2 submitters: Uncertain significance (2). Last evaluated 2023-06-26.

Conditions:
Hereditary cancer-predisposing syndrome. Also called: Hereditary Cancer Syndrome; Hereditary neoplastic syndrome; Tumor predisposition; Neoplastic Syndromes, Hereditary. Identifiers: Orphanet 140162, MedGen C0027672, MeSH D009386, MONDO:0015356.
Breast-ovarian cancer, familial, susceptibility to, 2 (BROVCA2). Also called: BRCA2 Hereditary Breast and Ovarian Cancer. Identifiers: Orphanet 145, MedGen C2675520, MONDO:0012933, OMIM 612555. Disease mechanism: loss of function.

Submissions (2):

All of Us Research Program, National Institutes of Health
Classification: Uncertain significance for Breast-ovarian cancer, familial, susceptibility to, 2. Last evaluated: 2023-06-26. Review status: criteria provided, single submitter. Criteria: ACMG Guidelines, 2015. Collection method: clinical testing. Allele origin: germline. Inheritance: Autosomal dominant inheritance. Observed: 1 variant allele, 1 heterozygote.
Comment: This missense variant replaces glutamine with arginine at codon 3037 of the BRCA2 protein. Computational prediction suggests that this variant may not impact protein structure and function (internally defined REVEL score threshold <= 0.5, PMID: 27666373). To our knowledge, functional studies have not been reported for this variant. This variant has not been reported in individuals affected with BRCA2-related disorders in the literature. This variant has not been identified in the general population by the Genome Aggregation Database (gnomAD). The available evidence is insufficient to determine the role of this variant in disease conclusively. Therefore, this variant is classified as a Variant of Uncertain Significance.

This study involves interpretation of variants in research participants for the purpose of population health screening. Participant phenotype was not available at the time of variant classification. Additional details can be found in publication PMID: 35346344, PMCID: PMC8962531

Color Diagnostics, LLC DBA Color Health
Classification: Uncertain significance for Hereditary cancer-predisposing syndrome. Last evaluated: 2023-05-04. Review status: criteria provided, single submitter. Criteria: ACMG Guidelines, 2015. Collection method: clinical testing. Allele origin: germline.
Comment: This missense variant replaces glutamine with arginine at codon 3037 of the BRCA2 protein. Computational prediction suggests that this variant may not impact protein structure and function (internally defined REVEL score threshold <= 0.5, PMID: 27666373). To our knowledge, functional studies have not been reported for this variant. This variant has not been reported in individuals affected with BRCA2-related disorders in the literature. This variant has not been identified in the general population by the Genome Aggregation Database (gnomAD). The available evidence is insufficient to determine the role of this variant in disease conclusively. Therefore, this variant is classified as a Variant of Uncertain Significance.